The following is an entry in ClinVar:

ClinVar aggregate classification (germline): Uncertain significance (1 of 4 stars; one submission).

Conditions:
Childhood absence epilepsy. Identifiers: Orphanet 64280, MedGen C4281785, MONDO:0010826.

Submission:

Labcorp Genetics (formerly Invitae), Labcorp
Classification: Uncertain significance for Childhood absence epilepsy. Last evaluated: 2017-03-14. Review status: criteria provided, single submitter. Criteria: Invitae Variant Classification Sherloc (09022015). Collection method: clinical testing. Allele origin: germline.
Comment: This sequence change replaces serine with cysteine at codon 124 of the GABRA6 protein (p.Ser124Cys). The serine residue is highly conserved and there is a moderate physicochemical difference between serine and cysteine. This variant is not present in population databases (ExAC no frequency) and has not been reported in the literature in individuals with a GABRA6-related disease. Algorithms developed to predict the effect of missense changes on protein structure and function (SIFT, PolyPhen-2, Align-GVGD) all suggest that this variant is likely to be disruptive, but these predictions have not been confirmed by published functional studies. In summary, this variant is a novel missense change with uncertain impact on protein function. It has been classified as a Variant of Uncertain Significance.

NM_000811.3(GABRA6):c.371C>G (p.Ser124Cys)

Genes: GABRA6 (gamma-aminobutyric acid type A receptor subunit alpha6; plus strand), GABRA6-AS1 (GABRA6 antisense RNA 1; minus strand). Cytogenetic location: 5q34.
Variant type: single nucleotide variant.
Coding change: c.371C>G on transcript NM_000811.3 (MANE Select); coding-DNA position 371, C replaced by G.
Protein change: p.Ser124Cys; replaces serine 124 with cysteine.
Molecular consequence: missense variant.
Genome position (GRCh38, 1-based): chr5:161,689,094, C>G. VCF-style: chr5-161689094-C-G. GRCh37 (hg19) VCF-style: chr5-161116100-C-G.
Other names: short protein forms S124C.
Identifiers: ClinVar variation 477864 (VCV000477864.1), dbSNP rs1554115593, ClinGen allele CA362176111.